The following is an entry in ClinVar:

ClinVar aggregate classification (germline): Uncertain significance. Review status: criteria provided, multiple submitters, no conflicts (2 of 4 stars). 2 submissions from 2 submitters: Uncertain significance (2). Last evaluated 2021-12-29.

Conditions:
Hereditary cancer-predisposing syndrome. Also called: Neoplastic Syndromes, Hereditary; Tumor predisposition; Hereditary Cancer Syndrome; Hereditary neoplastic syndrome. Identifiers: Orphanet 140162, MedGen C0027672, MeSH D009386, MONDO:0015356.
Oligodontia-cancer predisposition syndrome. Also called: TOOTH AGENESIS-COLORECTAL CANCER SYNDROME. Identifiers: Orphanet 300576, MedGen C1837750, MONDO:0012075, OMIM 608615. Disease mechanism: loss of function.

Submissions (2):

Labcorp Genetics (formerly Invitae), Labcorp
Classification: Uncertain significance for Oligodontia-cancer predisposition syndrome. Last evaluated: 2021-12-29. Review status: criteria provided, single submitter. Criteria: Invitae Variant Classification Sherloc (09022015). Collection method: clinical testing. Allele origin: germline.
Comment: This sequence change replaces glycine, which is neutral and non-polar, with serine, which is neutral and polar, at codon 665 of the AXIN2 protein (p.Gly665Ser). In summary, the available evidence is currently insufficient to determine the role of this variant in disease. Therefore, it has been classified as a Variant of Uncertain Significance. Algorithms developed to predict the effect of missense changes on protein structure and function output the following: SIFT: "Tolerated"; PolyPhen-2: "Benign"; Align-GVGD: "Class C0". The serine amino acid residue is found in multiple mammalian species, which suggests that this missense change does not adversely affect protein function. This variant has not been reported in the literature in individuals affected with AXIN2-related conditions. This variant is not present in population databases (gnomAD no frequency).

Ambry Genetics
Classification: Uncertain significance for Hereditary cancer-predisposing syndrome. Last evaluated: 2020-12-29. Review status: criteria provided, single submitter. Criteria: Ambry Variant Classification Scheme 2023. Collection method: clinical testing. Allele origin: germline.
Comment: The p.G665S variant (also known as c.1993G>A), located in coding exon 7 of the AXIN2 gene, results from a G to A substitution at nucleotide position 1993. The glycine at codon 665 is replaced by serine, an amino acid with similar properties. This amino acid position is not well conserved in available vertebrate species. In addition, this alteration is predicted to be tolerated by in silico analysis. Since supporting evidence is limited at this time, the clinical significance of this alteration remains unclear.

NM_004655.4(AXIN2):c.1993G>A (p.Gly665Ser)

Gene: AXIN2 (axin 2; minus strand). Cytogenetic location: 17q24.1.
Variant type: single nucleotide variant.
Coding change: c.1993G>A on transcript NM_004655.4 (MANE Select); coding-DNA position 1993, G replaced by A.
Protein change: p.Gly665Ser; replaces glycine 665 with serine.
Molecular consequence: missense variant.
Genome position (GRCh38, 1-based): chr17:65,536,468, C>T on the plus strand (G>A on the coding strand, the complement: AXIN2 is on the minus strand). VCF-style: chr17-65536468-C-T. GRCh37 (hg19) VCF-style: chr17-63532586-C-T.
Other names: c.1798G>A, p.Gly600Ser (NM_001363813.1); short protein forms G600S, G665S.
Identifiers: ClinVar variation 1784013 (VCV001784013.7), dbSNP rs1567754332, ClinGen allele CA400676194.
Genomic context (GRCh38, chr17:65,536,468, plus strand): 5'-TCGCAGGGTCCTGGGTGAACAGGTGGGCACGGGGGGTGGTGCGGGGGTGCCCGCTGTTGC[C>T]CCCCCACAGATGGTGCCGGCTGGCTCGTTCGCCTGGAGACGAGCGGGCAGACTCCAAGGG-3'
Protein context (NP_004646.3, residues 655-675): ERASRHHLWG[Gly665Ser]NSGHPRTTPR